The following is an entry in ClinVar:

ClinVar aggregate classification (germline): Uncertain significance (1 of 4 stars; one submission).

Conditions:
Cardiovascular phenotype. Identifiers: MedGen CN230736.

Allele frequency attached by ClinVar (database versions not stated): ExAC 0.00001.
gnomAD v4.1: 2 of 1,614,176 alleles (0.00012%); highest among the groups gnomAD compares: Non-Finnish European, 0.00017%; no homozygotes.

Submission:

Ambry Genetics
Classification: Uncertain significance for Cardiovascular phenotype. Last evaluated: 2023-06-09. Review status: criteria provided, single submitter. Criteria: Ambry Variant Classification Scheme 2023. Collection method: clinical testing. Allele origin: germline.
Comment: The p.G218D variant (also known as c.653G>A), located in coding exon 5 of the LPL gene, results from a G to A substitution at nucleotide position 653. The glycine at codon 218 is replaced by aspartic acid, an amino acid with similar properties. This amino acid position is conserved. In addition, this alteration is predicted to be tolerated by in silico analysis. Since supporting evidence is limited at this time, the clinical significance of this alteration remains unclear.

NM_000237.3(LPL):c.653G>A (p.Gly218Asp)

Gene: LPL (lipoprotein lipase; plus strand). Cytogenetic location: 8p21.3.
Variant type: single nucleotide variant.
Coding change: c.653G>A on transcript NM_000237.3 (MANE Select); coding-DNA position 653, G replaced by A.
Protein change: p.Gly218Asp; replaces glycine 218 with aspartic acid.
Molecular consequence: missense variant.
Genome position (GRCh38, 1-based): chr8:19,954,231, G>A. VCF-style: chr8-19954231-G-A. GRCh37 (hg19) VCF-style: chr8-19811742-G-A.
Other names: short protein forms G218D.
Identifiers: ClinVar variation 2568386 (VCV002568386.2), dbSNP rs754292853, ClinGen allele CA4655487.